The following is an entry in ClinVar:

NM_004830.4(MED23):c.3230A>G (p.Asp1077Gly)

Gene: MED23 (mediator complex subunit 23; minus strand). Cytogenetic location: 6q23.2.
Variant type: single nucleotide variant.
Coding change: c.3230A>G on transcript NM_004830.4 (MANE Select); coding-DNA position 3230, A replaced by G.
Protein change: p.Asp1077Gly; replaces aspartic acid 1077 with glycine.
Molecular consequence: missense variant.
Genome position (GRCh38, 1-based): chr6:131,594,101, T>C on the plus strand (A>G on the coding strand, the complement: MED23 is on the minus strand). VCF-style: chr6-131594101-T-C. GRCh37 (hg19) VCF-style: chr6-131915241-T-C.
Other names: c.3230A>G, p.Asp1077Gly (NM_001270521.2, NM_001270522.2); c.3248A>G, p.Asp1083Gly (NM_001376517.1, NM_015979.4); c.3176A>G, p.Asp1059Gly (NM_001376518.1); c.3092A>G, p.Asp1031Gly (NM_001376519.1, NM_001376521.1); c.3089A>G, p.Asp1030Gly (NM_001376520.1); c.3059A>G, p.Asp1020Gly (NM_001376522.1); c.2975A>G, p.Asp992Gly (NM_001376523.1); c.2843A>G, p.Asp948Gly (NM_001376524.1); short protein forms D1020G, D1030G, D1031G, D1059G, D1077G, D1083G, D948G, D992G.
Identifiers: ClinVar variation 3358313 (VCV003358313.1).

ClinVar aggregate classification (germline): Uncertain significance (0 of 4 stars; one submission).

Conditions:
MED23-related disorder. Also called: MED23-related condition.

gnomAD v4.1: 29 of 1,608,850 alleles (0.0018%); highest among the groups gnomAD compares: Non-Finnish European, 0.0022%; no homozygotes.

Submission:

PreventionGenetics, part of Exact Sciences
Classification: Uncertain significance for MED23-related condition. Last evaluated: 2024-08-22. Review status: no assertion criteria provided. Collection method: clinical testing. Allele origin: germline.
Comment: The MED23 c.3248A>G variant is predicted to result in the amino acid substitution p.Asp1083Gly. To our knowledge, this variant has not been reported in the literature or in a large population database, indicating this variant is rare. Although we suspect that this variant may be pathogenic, at this time, the clinical significance of this variant is uncertain due to the absence of conclusive functional and genetic evidence.